The following is an entry in ClinVar:

ClinVar aggregate classification (germline): Uncertain significance. Review status: criteria provided, multiple submitters, no conflicts (2 of 4 stars). 2 submissions from 2 submitters: Uncertain significance (2). Last evaluated 2025-10-29.

Conditions:
Inborn genetic diseases. Identifiers: MedGen C0950123, MeSH D030342.
Congenital disorder of deglycosylation (CDDG). Identifiers: MedGen C3808991, MONDO:0031376.

Allele frequency attached by ClinVar (database versions not stated): TOPMed 0.00001.
gnomAD v4.1: 5 of 1,614,116 alleles (0.00031%); highest among the groups gnomAD compares: Non-Finnish European, 0.00034%; no homozygotes.

Submissions (2):

Ambry Genetics
Classification: Uncertain significance for Inborn genetic diseases. Last evaluated: 2025-10-29. Review status: criteria provided, single submitter. Criteria: Ambry Variant Classification Scheme 2023. Collection method: clinical testing. Allele origin: germline.

Labcorp Genetics (formerly Invitae), Labcorp
Classification: Uncertain significance for Congenital disorder of deglycosylation. Last evaluated: 2022-10-17. Review status: criteria provided, single submitter. Criteria: Invitae Variant Classification Sherloc (09022015). Collection method: clinical testing. Allele origin: germline.
Comment: This sequence change replaces proline, which is neutral and non-polar, with leucine, which is neutral and non-polar, at codon 159 of the NGLY1 protein (p.Pro159Leu). This variant is not present in population databases (gnomAD no frequency). This variant has not been reported in the literature in individuals affected with NGLY1-related conditions. ClinVar contains an entry for this variant (Variation ID: 863061). Advanced modeling of protein sequence and biophysical properties (such as structural, functional, and spatial information, amino acid conservation, physicochemical variation, residue mobility, and thermodynamic stability) performed at Invitae indicates that this missense variant is not expected to disrupt NGLY1 protein function. In summary, the available evidence is currently insufficient to determine the role of this variant in disease. Therefore, it has been classified as a Variant of Uncertain Significance.

NM_018297.4(NGLY1):c.476C>T (p.Pro159Leu)

Gene: NGLY1 (N-glycanase 1; minus strand). Cytogenetic location: 3p24.2.
Variant type: single nucleotide variant.
Coding change: c.476C>T on transcript NM_018297.4 (MANE Select); coding-DNA position 476, C replaced by T.
Protein change: p.Pro159Leu; replaces proline 159 with leucine.
Molecular consequence: missense variant.
Genome position (GRCh38, 1-based): chr3:25,764,082, G>A on the plus strand (C>T on the coding strand, the complement: NGLY1 is on the minus strand). VCF-style: chr3-25764082-G-A. GRCh37 (hg19) VCF-style: chr3-25805573-G-A.
Other names: c.476C>T, p.Pro159Leu (NM_001145293.2, NM_001145295.2); c.350C>T, p.Pro117Leu (NM_001145294.2); short protein forms P117L, P159L.
Identifiers: ClinVar variation 863061 (VCV000863061.5), dbSNP rs1270766241, ClinGen allele CA351908490.